The following is an entry in ClinVar:

NM_003235.5(TG):c.6622C>A (p.Arg2208=)

Gene: TG (thyroglobulin; plus strand). Cytogenetic location: 8q24.22.
Variant type: single nucleotide variant.
Coding change: c.6622C>A on transcript NM_003235.5 (MANE Select); coding-DNA position 6622, C replaced by A.
Protein change: p.Arg2208=; no amino-acid change (arginine 2208 retained).
Molecular consequence: synonymous variant.
Genome position (GRCh38, 1-based): chr8:133,017,837, C>A. VCF-style: chr8-133017837-C-A. GRCh37 (hg19) VCF-style: chr8-134030082-C-A.
Identifiers: ClinVar variation 2658839 (VCV002658839.24), dbSNP rs750846435, ClinGen allele CA4884991.
Genomic context (GRCh38, chr8:133,017,837, plus strand): 5'-GGAATCTCTCTGCTCAGCTATGAGGCATCTGTACCTTCTGTGCCCATTTCCACCCATGGC[C>A]GGCTGCTGGGCAGGTCCCAGGCCATCCAGGTGGGTACCTCATGGAAGCAAGTGGACCAGT-3'
Protein context (NP_003226.4, residues 2198-2218): VPSVPISTHG[Arg2208=]LLGRSQAIQV

ClinVar aggregate classification (germline): Likely benign (1 of 4 stars; one submission).

gnomAD v4.1: 1 of 1,614,164 alleles (0.000062%); highest among the groups gnomAD compares: Non-Finnish European, 0.000085%; no homozygotes.

Submission:

CeGaT Center for Human Genetics Tuebingen
Classification: Likely benign. Last evaluated: 2022-07-01. Review status: criteria provided, single submitter. Criteria: CeGaT Center For Human Genetics Tuebingen Variant Classification Criteria Version 2. Collection method: clinical testing. Allele origin: germline. Affected: yes. Observed: 1 variant allele.
Comment: TG: BP4, BP7